The following is an entry in ClinVar:

ClinVar aggregate classification (germline): Uncertain significance (1 of 4 stars; one submission).

Conditions:
BBS4-related disorder. Also called: BBS4-related condition.

gnomAD v4.1: 2 of 1,612,686 alleles (0.00012%); highest among the groups gnomAD compares: Admixed American, 0.0033%; no homozygotes.

Submission:

PreventionGenetics, part of Exact Sciences
Classification: Uncertain significance for BBS4-related condition. Last evaluated: 2026-04-16. Review status: criteria provided, single submitter. Criteria: ACMG Guidelines, 2015. Collection method: clinical testing. Allele origin: germline.
Comment: The BBS4 c.152G>A variant is predicted to result in the amino acid substitution p.Cys51Tyr. To our knowledge, this variant has not been reported in the literature. This variant is reported in 0.0058% of alleles in individuals of Latino descent in gnomAD. At this time, the clinical significance of this variant is uncertain due to the absence of conclusive functional and genetic evidence.

NM_033028.5(BBS4):c.152G>A (p.Cys51Tyr)

Gene: BBS4 (Bardet-Biedl syndrome 4; plus strand). Cytogenetic location: 15q24.1.
Variant type: single nucleotide variant.
Coding change: c.152G>A on transcript NM_033028.5 (MANE Select); coding-DNA position 152, G replaced by A.
Protein change: p.Cys51Tyr; replaces cysteine 51 with tyrosine.
Molecular consequence: missense variant. On other transcripts: 5 prime UTR variant (1), non-coding transcript variant (2).
Genome position (GRCh38, 1-based): chr15:72,709,775, G>A. VCF-style: chr15-72709775-G-A. GRCh37 (hg19) VCF-style: chr15-73002116-G-A.
Other names: c.-370G>A (NM_001252678.2); c.152G>A, p.Cys51Tyr (NM_001320665.2); short protein forms C51Y.
Identifiers: ClinVar variation 4989755 (VCV004989755.1).